The following is an entry in ClinVar:

NM_002890.3(RASA1):c.1231del (p.Met411fs)

Genes: CCNH (cyclin H; minus strand), RASA1 (RAS p21 protein activator 1; plus strand). Cytogenetic location: 5q14.3.
Variant type: Deletion.
Coding change: c.1231del on transcript NM_002890.3 (MANE Select); coding-DNA position 1231, one base deleted (A; older notation c.1231delA).
Protein change: p.Met411fs; shifts the reading frame from methionine 411.
Molecular consequence: frameshift variant. On other transcripts: intron variant (1).
Genome position (GRCh38, 1-based): chr5:87,349,342, A deleted. VCF-style (leftmost placement, unchanged base first): chr5-87349341-GA-G. GRCh37 (hg19) VCF-style: chr5-86645158-GA-G.
Other names: c.700del, p.Met234fs (NM_022650.3); c.934-36547del (NM_001364075.2); short protein forms M234fs, M411fs.
Identifiers: ClinVar variation 3656867 (VCV003656867.3).

ClinVar aggregate classification (germline): Pathogenic/Likely pathogenic. Review status: criteria provided, multiple submitters, no conflicts (2 of 4 stars). 2 submissions from 2 submitters: Pathogenic (1); Likely pathogenic (1). Last evaluated 2024-09-24.

Conditions:
Capillary malformation-arteriovenous malformation syndrome. Also called: Capillary malformation-arteriovenous malformation. Identifiers: Orphanet 137667, MedGen C1842180, MONDO:0012016.

Submissions (2):

Labcorp Genetics (formerly Invitae), Labcorp
Classification: Pathogenic for Capillary malformation-arteriovenous malformation syndrome. Last evaluated: 2024-09-24. Review status: criteria provided, single submitter. Criteria: Invitae Variant Classification Sherloc (09022015). Collection method: clinical testing. Allele origin: germline.
Comment: This sequence change creates a premature translational stop signal (p.Met411Trpfs*13) in the RASA1 gene. It is expected to result in an absent or disrupted protein product. Loss-of-function variants in RASA1 are known to be pathogenic (PMID: 24038909). This variant is not present in population databases (gnomAD no frequency). This variant has not been reported in the literature in individuals affected with RASA1-related conditions. For these reasons, this variant has been classified as Pathogenic.

ARUP Laboratories, Molecular Genetics and Genomics, ARUP Laboratories
Classification: Likely pathogenic. Last evaluated: 2024-05-09. Review status: criteria provided, single submitter. Criteria: ARUP Molecular Germline Variant Investigation Process 2024. Collection method: clinical testing. Allele origin: germline.
Comment: The RASA1 c.1231del; p.Met411TrpfsTer13 variant, to our knowledge, is not reported in the medical literature or gene specific databases. This variant is absent from the Genome Aggregation Database (v2.1.1), indicating it is not a common polymorphism. This variant causes a frameshift by deleting a single nucleotide, so it is predicted to result in a truncated protein or mRNA subject to nonsense-mediated decay. Additionally, several downstream truncating variants have been described in individuals with capillary malformation-arteriovenous malformations and are considered pathogenic (Revencu 2013, Wooderchak-Donahue 2018). Based on available information, this variant is considered to be likely pathogenic. References: Revencu N et al. RASA1 mutations and associated phenotypes in 68 families with capillary malformation-arteriovenous malformation. Hum Mutat. 2013 Dec;34(12):1632-41. PMID: 24038909. Wooderchak-Donahue WL et al. Expanding the clinical and molecular findings in RASA1 capillary malformation-arteriovenous malformation. Eur J Hum Genet. 2018 Oct;26(10):1521-1536. PMID: 29891884.

Literature cited by the submitters: PubMed 24038909 (cited by Labcorp Genetics (formerly Invitae), Labcorp).